The following is an entry in ClinVar:

ClinVar aggregate classification (germline): Uncertain significance. Review status: criteria provided, multiple submitters, no conflicts (2 of 4 stars). 3 submissions from 3 submitters: Uncertain significance (3). Last evaluated 2024-05-06.

Conditions:
Hereditary cancer-predisposing syndrome. Also called: Hereditary neoplastic syndrome; Neoplastic Syndromes, Hereditary; Tumor predisposition; Hereditary Cancer Syndrome. Identifiers: Orphanet 140162, MedGen C0027672, MeSH D009386, MONDO:0015356.
Fanconi anemia complementation group J. Also called: BRIP1-Related Fanconi Anemia. Identifiers: Orphanet 84, MedGen C1836860, MONDO:0012187, OMIM 609054.
Familial cancer of breast. Also called: BREAST CANCER, FAMILIAL; Hereditary breast cancer; hereditary breast carcinoma. Identifiers: Orphanet 227535, MedGen C0346153, MONDO:0016419, OMIM 114480. Disease mechanism: loss of function.

Allele frequency attached by ClinVar (database versions not stated): gnomAD exomes below 0.00001; ExAC 0.00001.
gnomAD v4.1: 1 of 1,613,672 alleles (0.000062%); highest among the groups gnomAD compares: Non-Finnish European, 0.000085%; no homozygotes.

Submissions (3):

Labcorp Genetics (formerly Invitae), Labcorp
Classification: Uncertain significance for Familial cancer of breast; Fanconi anemia complementation group J. Last evaluated: 2024-05-06. Review status: criteria provided, single submitter. Criteria: Invitae Variant Classification Sherloc (09022015). Collection method: clinical testing. Allele origin: germline.
Comment: This sequence change replaces glutamic acid, which is acidic and polar, with glutamine, which is neutral and polar, at codon 751 of the BRIP1 protein (p.Glu751Gln). This variant is present in population databases (rs760438320, gnomAD 0.0009%). This variant has not been reported in the literature in individuals affected with BRIP1-related conditions. ClinVar contains an entry for this variant (Variation ID: 481661). Advanced modeling of protein sequence and biophysical properties (such as structural, functional, and spatial information, amino acid conservation, physicochemical variation, residue mobility, and thermodynamic stability) performed at Invitae indicates that this missense variant is not expected to disrupt BRIP1 protein function with a negative predictive value of 80%. In summary, the available evidence is currently insufficient to determine the role of this variant in disease. Therefore, it has been classified as a Variant of Uncertain Significance.

Color Diagnostics, LLC DBA Color Health
Classification: Uncertain significance for Hereditary cancer-predisposing syndrome. Last evaluated: 2023-12-05. Review status: criteria provided, single submitter. Criteria: ACMG Guidelines, 2015. Collection method: clinical testing. Allele origin: germline.
Comment: This missense variant replaces glutamic acid with glutamine at codon 751 of the BRIP1 protein. Computational prediction suggests that this variant may not impact protein structure and function (internally defined REVEL score threshold <= 0.5, PMID: 27666373). To our knowledge, functional studies have not been reported for this variant. This variant has not been reported in individuals affected with BRIP1-related disorders in the literature. This variant has been identified in 1/251172 chromosomes in the general population by the Genome Aggregation Database (gnomAD). The available evidence is insufficient to determine the role of this variant in disease conclusively. Therefore, this variant is classified as a Variant of Uncertain Significance.

Ambry Genetics
Classification: Uncertain significance for Hereditary cancer-predisposing syndrome. Last evaluated: 2022-05-12. Review status: criteria provided, single submitter. Criteria: Ambry Variant Classification Scheme 2023. Collection method: clinical testing. Allele origin: germline.
Comment: The p.E751Q variant (also known as c.2251G>C), located in coding exon 14 of the BRIP1 gene, results from a G to C substitution at nucleotide position 2251. The glutamic acid at codon 751 is replaced by glutamine, an amino acid with highly similar properties. This amino acid position is well conserved in available vertebrate species. In addition, this alteration is predicted to be tolerated by in silico analysis. Since supporting evidence is limited at this time, the clinical significance of this alteration remains unclear.

NM_032043.3(BRIP1):c.2251G>C (p.Glu751Gln)

Gene: BRIP1 (BRCA1 interacting DNA helicase 1; minus strand). Cytogenetic location: 17q23.2.
Variant type: single nucleotide variant.
Coding change: c.2251G>C on transcript NM_032043.3 (MANE Select); coding-DNA position 2251, G replaced by C.
Protein change: p.Glu751Gln; replaces glutamic acid 751 with glutamine.
Molecular consequence: missense variant.
Genome position (GRCh38, 1-based): chr17:61,744,438, C>G on the plus strand (G>C on the coding strand, the complement: BRIP1 is on the minus strand). VCF-style: chr17-61744438-C-G. GRCh37 (hg19) VCF-style: chr17-59821799-C-G.
Other names: short protein forms E751Q.
Identifiers: ClinVar variation 481661 (VCV000481661.20), dbSNP rs760438320, ClinGen allele CA8690568.
Genomic context (GRCh38, chr17:61,744,438, plus strand): 5'-TTACTTTGTAATAAAAAATATTTTTTCACCGACCATGAAATAATTTCCAGTTACCTTTCT[C>G]TCCTTTGTATTTGATTGCGTCATAGTACACCTGCAGTAATTCATCAAAATTTGTTTTTTC-3'
Protein context (NP_114432.2, residues 741-761): VYYDAIKYKG[Glu751Gln]KDGALLVAVC